The following is an entry in ClinVar:

NM_201253.3(CRB1):c.3017C>A (p.Ser1006Tyr)

Gene: CRB1 (crumbs cell polarity complex component 1; plus strand). Cytogenetic location: 1q31.3.
Variant type: single nucleotide variant.
Coding change: c.3017C>A on transcript NM_201253.3 (MANE Select); coding-DNA position 3017, C replaced by A.
Protein change: p.Ser1006Tyr; replaces serine 1006 with tyrosine.
Molecular consequence: missense variant. On other transcripts: non-coding transcript variant (2), intron variant (1).
Genome position (GRCh38, 1-based): chr1:197,434,880, C>A. VCF-style: chr1-197434880-C-A. GRCh37 (hg19) VCF-style: chr1-197404010-C-A.
Other names: c.3017C>A (NM_201253.2); c.2681C>A, p.Ser894Tyr (NM_001193640.2); c.2945C>A, p.Ser982Tyr (NM_001257965.2); c.2129-720C>A (NM_001257966.2); short protein forms S1006Y, S894Y, S982Y.
Identifiers: ClinVar variation 2502418 (VCV002502418.3), dbSNP rs878853367, ClinGen allele CA344044595.

ClinVar aggregate classification (germline): Pathogenic/Likely pathogenic. Review status: criteria provided, multiple submitters, no conflicts (2 of 4 stars). 3 submissions from 3 submitters: Pathogenic (2); Likely pathogenic (1). Last evaluated 2025-01-23.

Conditions:
Leber congenital amaurosis (LCA). Also called: Leber's amaurosis. Identifiers: Orphanet 65, MedGen C0339527, MeSH D057130, MONDO:0018998.
Retinitis pigmentosa 12 (RP12). Also called: RP WITH OR WITHOUT PPRPE; RP WITH OR WITHOUT PRESERVED PARAARTERIOLE RETINAL PIGMENT EPITHELIUM; RETINITIS PIGMENTOSA WITH OR WITHOUT PARAARTERIOLAR PRESERVATION OF RETINAL PIGMENT EPITHELIUM. Identifiers: Orphanet 791, MedGen C1838647, MONDO:0010818, OMIM 600105.
Leber congenital amaurosis 8 (LCA8). Identifiers: Orphanet 65, MedGen C3151202, MONDO:0013453, OMIM 613835.

Submissions (3):

Natera, Inc.
Classification: Pathogenic for Leber congenital amaurosis. Last evaluated: 2025-01-23. Review status: criteria provided, single submitter. Criteria: Natera Variant Classification Schema (03/2026). Collection method: clinical testing. Allele origin: germline.
Comment: The c.3017C>A variant in CRB1 is a missense variant predicted to cause substitution of serine to tyrosine at amino acid 1006. This variant is rare in the general population with a frequency below the threshold expected for the associated phenotype(s). This variant has been observed in one or more individuals affected with the associated recessive disease, as either homozygous or compound heterozygous with a second variant (PMID: 33342761, 33970760). Computational prediction algorithms indicate this variant is likely to affect gene or protein function. Given the available evidence, this variant is classified as Pathogenic.

Baylor Genetics
Classification: Pathogenic for Leber congenital amaurosis 8. Last evaluated: 2022-09-10. Review status: criteria provided, single submitter. Criteria: ACMG Guidelines, 2015. Collection method: clinical testing. Allele origin: unknown.

Pangenia Genomics, Pangenia Inc.
Classification: Likely pathogenic for Retinitis pigmentosa 12. Last evaluated: 2022-03-14. Review status: criteria provided, single submitter. Criteria: ACMG Guidelines, 2015. Collection method: research. Allele origin: maternal, unknown. Inheritance: Autosomal recessive inheritance. Affected: yes and no. Observed: 1 heterozygote, 1 compound heterozygote.
Comment: The CRB1, c.3017C>A (p.Ser1006Tyr) variant is absent from controls in population database. This variant is detected in trans with a pathogenic variant [CRB1, c.3676G>T (p.Gly1226*)]. Multiple lines of computational evidence support a deleterious effect on the gene or gene product (REVEL=0. 765). This variant has been previously reported to be compound heterozygous with two other CRB1 variants (c.136delA, c.3676G>T) [PMID: 24535598].

Literature cited by the submitters: PubMed 33342761 (cited by Natera, Inc.); PubMed 33970760 (cited by Natera, Inc.); PubMed 24535598 (cited by Pangenia Genomics, Pangenia Inc.).